The following is an entry in ClinVar:

ClinVar aggregate classification (germline): Uncertain significance. Review status: criteria provided, multiple submitters, no conflicts (2 of 4 stars). 2 submissions from 2 submitters: Uncertain significance (2). Last evaluated 2025-06-20.

Allele frequency attached by ClinVar (database versions not stated): TOPMed 0.00001; gnomAD 0.00003; gnomAD exomes 0.00002; ExAC 0.00008.
gnomAD v4.1: 34 of 1,539,418 alleles (0.0022%); highest among the groups gnomAD compares: African/African-American, 0.0055%; no homozygotes.

Submissions (2):

GeneDx
Classification: Uncertain significance. Last evaluated: 2025-06-20. Review status: criteria provided, single submitter. Criteria: GeneDx Variant Classification Process June 2021. Collection method: clinical testing. Allele origin: germline. Affected: yes.
Comment: Identified in a proband with a history of acute ischemic stroke, lipid metabolism disorder, deep white matter hyperintensity on brain MRI, and a family history of stroke (PMID: 37479695); In silico analysis supports that this missense variant has a deleterious effect on protein structure/function; This variant is associated with the following publications: (PMID: 37479695)

Revvity Omics, Revvity
Classification: Uncertain significance. Last evaluated: 2021-11-07. Review status: criteria provided, single submitter. Criteria: ACMG Guidelines, 2015. Collection method: clinical testing. Allele origin: germline.

NM_000435.3(NOTCH3):c.6448C>T (p.Arg2150Cys)

Gene: NOTCH3 (notch receptor 3; minus strand). Cytogenetic location: 19p13.12.
Variant type: single nucleotide variant.
Coding change: c.6448C>T on transcript NM_000435.3 (MANE Select); coding-DNA position 6448, C replaced by T.
Protein change: p.Arg2150Cys; replaces arginine 2150 with cysteine.
Molecular consequence: missense variant.
Genome position (GRCh38, 1-based): chr19:15,161,180, G>A on the plus strand (C>T on the coding strand, the complement: NOTCH3 is on the minus strand). VCF-style: chr19-15161180-G-A. GRCh37 (hg19) VCF-style: chr19-15271991-G-A.
Other names: c.6448C>T (NM_000435.2); short protein forms R2150C.
Identifiers: ClinVar variation 2434408 (VCV002434408.4), dbSNP rs777802431, ClinGen allele CA9262368.